The following is an entry in ClinVar:

NM_001177701.3(IFT27):c.220_221delinsCG (p.Met74Arg)

Genes: CACNG2-DT (CACNG2 divergent transcript; plus strand), IFT27 (intraflagellar transport 27; minus strand), LOC126863139 (CDK7 strongly-dependent group 2 enhancer GRCh37_chr22:37161913-37163112; plus strand). Cytogenetic location: 22q12.3.
Variant type: Indel.
Coding change: c.220_221delinsCG on transcript NM_001177701.3 (MANE Select); coding-DNA positions 220 to 221, AT replaced by CG.
Protein change: p.Met74Arg; replaces methionine 74 with arginine.
Molecular consequence: missense variant.
Genome position (GRCh38, 1-based): chr22:36,766,151-36,766,152, AT replaced by CG on the plus strand (AT replaced by CG on the coding strand, the reverse complement: IFT27 is on the minus strand). VCF-style: chr22-36766151-AT-CG. GRCh37 (hg19) VCF-style: chr22-37162195-AT-CG.
Other names: c.220_221delinsCG, p.Met74Arg (NM_001363003.2); c.217_218delinsCG, p.Met73Arg (NM_006860.5); short protein forms M74R, M73R.
Identifiers: ClinVar variation 4995319 (VCV004995319.1).

ClinVar aggregate classification (germline): Uncertain significance (1 of 4 stars; one submission).

Conditions:
IFT27-related disorder. Also called: IFT27-related condition.

Submission:

PreventionGenetics, part of Exact Sciences
Classification: Uncertain significance for IFT27-related condition. Last evaluated: 2026-08-31. Review status: criteria provided, single submitter. Criteria: ACMG Guidelines, 2015. Collection method: clinical testing. Allele origin: germline.
Comment: The IFT27 c.217_218delinsCG variant is predicted to result in an in-frame deletion and insertion. To our knowledge, this variant has not been reported in the literature or in a large population database (gnomAD), indicating this variant is rare. At this time, the clinical significance of this variant is uncertain due to the absence of conclusive functional and genetic evidence.